The following is an entry in ClinVar:

ClinVar aggregate classification (germline): Uncertain significance (1 of 4 stars; one submission).

Conditions:
Joubert syndrome 22 (JBTS22). Identifiers: Orphanet 2754, MedGen C3810278, MONDO:0014297, OMIM 615665.

gnomAD v4.1: 1 of 1,612,564 alleles (0.000062%); highest among the groups gnomAD compares: Non-Finnish European, 0.000085%; no homozygotes.

Submission:

Labcorp Genetics (formerly Invitae), Labcorp
Classification: Uncertain significance for Joubert syndrome 22. Last evaluated: 2022-07-05. Review status: criteria provided, single submitter. Criteria: Invitae Variant Classification Sherloc (09022015). Collection method: clinical testing. Allele origin: germline.
Comment: This variant has not been reported in the literature in individuals affected with PDE6D-related conditions. This sequence change replaces threonine, which is neutral and polar, with alanine, which is neutral and non-polar, at codon 142 of the PDE6D protein (p.Thr142Ala). This variant is present in population databases (no rsID available, gnomAD 0.007%). Algorithms developed to predict the effect of missense changes on protein structure and function (SIFT, PolyPhen-2, Align-GVGD) all suggest that this variant is likely to be tolerated. In summary, the available evidence is currently insufficient to determine the role of this variant in disease. Therefore, it has been classified as a Variant of Uncertain Significance.

NM_002601.4(PDE6D):c.424A>G (p.Thr142Ala)

Gene: PDE6D (phosphodiesterase 6D; minus strand). Cytogenetic location: 2q37.1.
Variant type: single nucleotide variant.
Coding change: c.424A>G on transcript NM_002601.4 (MANE Select); coding-DNA position 424, A replaced by G.
Protein change: p.Thr142Ala; replaces threonine 142 with alanine.
Molecular consequence: missense variant. On other transcripts: 3 prime UTR variant (1).
Genome position (GRCh38, 1-based): chr2:231,732,981, T>C on the plus strand (A>G on the coding strand, the complement: PDE6D is on the minus strand). VCF-style: chr2-231732981-T-C. GRCh37 (hg19) VCF-style: chr2-232597691-T-C.
Other names: c.*36A>G (NM_001291018.2); short protein forms T142A.
Identifiers: ClinVar variation 2159721 (VCV002159721.3), dbSNP rs1192555580, ClinGen allele CA350973256.
Genomic context (GRCh38, chr2:231,732,981, plus strand): 5'-CAAATTCTTGAAATGTACACACATTCTTCTTTCAAACATAGAAAAGTCTCACTCTGGATG[T>C]GCTTACAAGAAGATCGTCGTCAAAAAACTTTGTTTCTATGATAACGTTCCCACTGTAAGT-3'
Protein context (NP_002592.1, residues 132-150): KFFDDDLLVS[Thr142Ala]SRVRLFYV